The following is an entry in ClinVar:

ClinVar aggregate classification (germline): Uncertain significance (1 of 4 stars; one submission).

Conditions:
Deficiency of hyaluronoglucosaminidase (MPS9). Also called: MPS IX; HYALURONIDASE DEFICIENCY; Mucopolysaccharidosis type 9. Identifiers: Orphanet 67041, MedGen C1291490, MONDO:0011093, OMIM 601492.

Allele frequency attached by ClinVar (database versions not stated): gnomAD exomes below 0.00001; TOPMed below 0.00001.
gnomAD v4.1: 4 of 1,613,902 alleles (0.00025%); highest among the groups gnomAD compares: Non-Finnish European, 0.00025%; no homozygotes.

Submission:

Labcorp Genetics (formerly Invitae), Labcorp
Classification: Uncertain significance for Deficiency of hyaluronoglucosaminidase. Last evaluated: 2022-03-21. Review status: criteria provided, single submitter. Criteria: Invitae Variant Classification Sherloc (09022015). Collection method: clinical testing. Allele origin: germline.
Comment: In summary, the available evidence is currently insufficient to determine the role of this variant in disease. Therefore, it has been classified as a Variant of Uncertain Significance. Algorithms developed to predict the effect of missense changes on protein structure and function output the following: SIFT: "Tolerated"; PolyPhen-2: "Benign"; Align-GVGD: "Class C0". The arginine amino acid residue is found in multiple mammalian species, which suggests that this missense change does not adversely affect protein function. This variant has not been reported in the literature in individuals affected with HYAL1-related conditions. This variant is present in population databases (no rsID available, gnomAD 0.0009%). This sequence change replaces glycine, which is neutral and non-polar, with arginine, which is basic and polar, at codon 233 of the HYAL1 protein (p.Gly233Arg).

NM_033159.4(HYAL1):c.697G>C (p.Gly233Arg)

Gene: HYAL1 (hyaluronidase 1; minus strand). Cytogenetic location: 3p21.31.
Variant type: single nucleotide variant.
Coding change: c.697G>C on transcript NM_033159.4 (MANE Select); coding-DNA position 697, G replaced by C.
Protein change: p.Gly233Arg; replaces glycine 233 with arginine.
Molecular consequence: missense variant. On other transcripts: non-coding transcript variant (1), intron variant (1).
Genome position (GRCh38, 1-based): chr3:50,302,260, C>G on the plus strand (G>C on the coding strand, the complement: HYAL1 is on the minus strand). VCF-style: chr3-50302260-C-G. GRCh37 (hg19) VCF-style: chr3-50339691-C-G.
Other names: c.697G>C, p.Gly233Arg (NM_007312.3, NM_153281.2, NM_153282.3); c.151G>C, p.Gly51Arg (NM_153283.3); c.-26-55G>C (NM_153285.3); short protein forms G233R, G51R.
Identifiers: ClinVar variation 2163512 (VCV002163512.4), dbSNP rs1553713123, ClinGen allele CA352893058.